The following is an entry in ClinVar:

ClinVar aggregate classification (germline): Pathogenic (1 of 4 stars; one submission).

Conditions:
3-methylglutaconic aciduria, type VIIB (MGCA7B). Also called: 3-methylglutaconic aciduria with cataracts, neurologic involvement and neutropenia; CLPB Deficiency; 3-methylglutaconic aciduria, type VII, with cataracts, neurologic involvement and neutropenia. Identifiers: Orphanet 445038, MedGen C5676893, MONDO:0014561, OMIM 616271.

Submission:

Labcorp Genetics (formerly Invitae), Labcorp
Classification: Pathogenic for 3-methylglutaconic aciduria, type VIIB. Last evaluated: 2022-10-05. Review status: criteria provided, single submitter. Criteria: Invitae Variant Classification Sherloc (09022015). Collection method: clinical testing. Allele origin: germline.
Comment: This variant is a gross deletion of the genomic region encompassing exon(s) 13-17 of the CLPB gene, which includes the termination codon. This deletion extends beyond the assayed region for this gene and therefore may encompass additional genes. While this deletion is not anticipated to lead to nonsense mediated decay, it is expected to alter mRNA translation or result in a truncated protein product. This variant has not been reported in the literature in individuals affected with CLPB-related conditions. For these reasons, this variant has been classified as Pathogenic. This variant disrupts a region of the CLPB protein in which other variant(s) (p.Tyr567Cys) have been determined to be pathogenic (Invitae). This suggests that this is a clinically significant region of the protein, and that variants that disrupt it are likely to be disease-causing.

NC_000011.9:g.(?_72004411)_(72006712_?)del

Gene: CLPB (ClpB family mitochondrial disaggregase; minus strand). Cytogenetic location: 11q13.4.
Variant type: Deletion.
Identifiers: ClinVar variation 2426947 (VCV002426947.7).